The following is an entry in ClinVar:

ClinVar aggregate classification (germline): Benign. Review status: criteria provided, multiple submitters, no conflicts (2 of 4 stars). 3 submissions from 3 submitters: Benign (2). 1 of the submissions does not count toward it. Last evaluated 2019-12-31.

Conditions:
ARHGAP32-related disorder. Also called: ARHGAP32-related condition.

Allele frequency attached by ClinVar (database versions not stated): gnomAD 0.00604 and 0.00643; gnomAD exomes 0.00063 and 0.00165; TOPMed 0.00677; 1000 Genomes Project 30x 0.00812; 1000 Genomes Project 0.00819; ESP Exome Variant Server 0.00877; ExAC 0.00211.
gnomAD v4.1: 1,891 of 1,613,798 alleles (0.12%); highest among the groups gnomAD compares: African/African-American, 2.1%; 14 homozygotes.

Submissions (3):

Labcorp Genetics (formerly Invitae), Labcorp
Classification: Benign. Last evaluated: 2019-12-31. Review status: criteria provided, single submitter. Criteria: Invitae Variant Classification Sherloc (09022015). Collection method: clinical testing. Allele origin: germline.

Breakthrough Genomics
Classification: Benign. Review status: criteria provided, single submitter. Criteria: ACMG Guidelines, 2015. Collection method: not provided. Allele origin: germline. Inheritance: Unknown mechanism. Affected: yes.

PreventionGenetics, part of Exact Sciences
Classification: Benign for ARHGAP32-related condition. Last evaluated: 2019-03-01. Review status: no assertion criteria provided. Collection method: clinical testing. Allele origin: germline. Not counted in ClinVar's aggregate classification.
Comment: This variant is classified as benign based on ACMG/AMP sequence variant interpretation guidelines (Richards et al. 2015 PMID: 25741868, with internal and published modifications).

NM_001378024.1(ARHGAP32):c.4239C>T (p.Ala1413=)

Gene: ARHGAP32 (Rho GTPase activating protein 32; minus strand). Cytogenetic location: 11q24.3.
Variant type: single nucleotide variant.
Coding change: c.4239C>T on transcript NM_001378024.1 (MANE Select); coding-DNA position 4239, C replaced by T.
Protein change: p.Ala1413=; no amino-acid change (alanine 1413 retained).
Molecular consequence: synonymous variant.
Genome position (GRCh38, 1-based): chr11:128,970,974, G>A on the plus strand (C>T on the coding strand, the complement: ARHGAP32 is on the minus strand). VCF-style: chr11-128970974-G-A. GRCh37 (hg19) VCF-style: chr11-128840869-G-A.
Other names: c.4197C>T, p.Ala1399= (NM_001142685.2); c.4077C>T, p.Ala1359= (NM_001378025.1); c.3150C>T, p.Ala1050= (NM_014715.4).
Identifiers: ClinVar variation 784207 (VCV000784207.7), dbSNP rs61734317, ClinGen allele CA6358597.